The following is an entry in ClinVar:

NM_000350.3(ABCA4):c.5351T>G (p.Leu1784Arg)

Gene: ABCA4 (ATP binding cassette subfamily A member 4; minus strand). Cytogenetic location: 1p22.1.
Variant type: single nucleotide variant.
Coding change: c.5351T>G on transcript NM_000350.3 (MANE Select); coding-DNA position 5351, T replaced by G.
Protein change: p.Leu1784Arg; replaces leucine 1784 with arginine.
Molecular consequence: missense variant.
Genome position (GRCh38, 1-based): chr1:94,014,652, A>C on the plus strand (T>G on the coding strand, the complement: ABCA4 is on the minus strand). VCF-style: chr1-94014652-A-C. GRCh37 (hg19) VCF-style: chr1-94480208-A-C.
Other names: c.5129T>G, p.Leu1710Arg (NM_001425324.1); short protein forms L1784R, L1710R.
Identifiers: ClinVar variation 812198 (VCV000812198.6), dbSNP rs746252741, ClinGen allele CA957294.

ClinVar aggregate classification (germline): Pathogenic. Review status: criteria provided, multiple submitters, no conflicts (2 of 4 stars). 4 submissions from 4 submitters: Pathogenic (3). 1 of the submissions does not count toward it. Last evaluated 2024-12-17.

Conditions:
Stargardt disease (FFM). Also called: Stargardt's disease; Fundus flavimaculatus. Identifiers: Orphanet 827, MedGen C0271093, MONDO:0019353.
ABCA4-related disorder. Also called: ABCA4-related disorders; ABCA4-related condition. Identifiers: MedGen CN239167.

Allele frequency attached by ClinVar (database versions not stated): TOPMed below 0.00001; ExAC 0.00001.
gnomAD v4.1: 2 of 1,614,268 alleles (0.00012%); highest among the groups gnomAD compares: Middle Eastern, 0.016%; no homozygotes.

Submissions (4):

Women's Health and Genetics/Laboratory Corporation of America, LabCorp
Classification: Pathogenic for Stargardt disease. Last evaluated: 2024-12-17. Review status: criteria provided, single submitter. Criteria: LabCorp Variant Classification Summary - May 2015. Collection method: clinical testing. Allele origin: germline.
Comment: Variant summary: ABCA4 c.5351T>G (p.Leu1784Arg) results in a non-conservative amino acid change in the encoded protein sequence. Four of five in-silico tools predict a damaging effect of the variant on protein function. The variant allele was found at a frequency of 8e-06 in 251452 control chromosomes (gnomAD). c.5351T>G has been reported in the literature in multiple individuals affected with Stargardt Disease (e.g. Sharon_2020, Corradi_2023). These data indicate that the variant is very likely to be associated with disease. A different variant affecting the same codon has been classified as pathogenic by our lab (c.5351T>C, p.Leu1784Pro), supporting the critical relevance of codon 1784 to ABCA4 protein function. The following publications have been ascertained in the context of this evaluation (PMID: 31456290, 37705246). ClinVar contains an entry for this variant (Variation ID: 812198). Based on the evidence outlined above, the variant was classified as pathogenic.

Labcorp Genetics (formerly Invitae), Labcorp
Classification: Pathogenic. Last evaluated: 2024-03-09. Review status: criteria provided, single submitter. Criteria: Invitae Variant Classification Sherloc (09022015). Collection method: clinical testing. Allele origin: germline.
Comment: This sequence change replaces leucine, which is neutral and non-polar, with arginine, which is basic and polar, at codon 1784 of the ABCA4 protein (p.Leu1784Arg). This variant is present in population databases (rs746252741, gnomAD 0.002%). This missense change has been observed in individual(s) with clinical features of cone-rod dystrophy and/or Stargardt disease (PMID: 31456290; Invitae). In at least one individual the data is consistent with being in trans (on the opposite chromosome) from a pathogenic variant. ClinVar contains an entry for this variant (Variation ID: 812198). Advanced modeling of protein sequence and biophysical properties (such as structural, functional, and spatial information, amino acid conservation, physicochemical variation, residue mobility, and thermodynamic stability) performed at Invitae indicates that this missense variant is expected to disrupt ABCA4 protein function with a positive predictive value of 95%. This variant disrupts the p.Leu178 amino acid residue in ABCA4. Other variant(s) that disrupt this residue have been determined to be pathogenic (PMID: 30060493). This suggests that this residue is clinically significant, and that variants that disrupt this residue are likely to be disease-causing. For these reasons, this variant has been classified as Pathogenic.

Blueprint Genetics
Classification: Pathogenic for ABCA4-related disorders. Last evaluated: 2021-10-13. Review status: criteria provided, single submitter. Criteria: ACMG Guidelines, 2015. Collection method: clinical testing. Allele origin: germline. Affected: yes. Observed: 2 variant alleles.

Sharon lab, Hadassah-Hebrew University Medical Center
Classification: Pathogenic for Stargardt disease. Last evaluated: 2019-06-23. Review status: no assertion criteria provided. Collection method: research. Allele origin: inherited. Affected: yes. Not counted in ClinVar's aggregate classification.

Literature cited by the submitters: PubMed 31456290 (cited by Women's Health and Genetics/Laboratory Corporation of America, LabCorp and Labcorp Genetics (formerly Invitae), Labcorp); PubMed 37705246 (cited by Women's Health and Genetics/Laboratory Corporation of America, LabCorp); PubMed 30060493 (cited by Labcorp Genetics (formerly Invitae), Labcorp).